The following is an entry in ClinVar:

ClinVar aggregate classification (germline): Uncertain significance. Review status: criteria provided, multiple submitters, no conflicts (2 of 4 stars). 3 submissions from 3 submitters: Uncertain significance (3). Last evaluated 2024-02-17.

Conditions:
Hereditary cancer-predisposing syndrome. Also called: Neoplastic Syndromes, Hereditary; Hereditary neoplastic syndrome; Hereditary Cancer Syndrome; Tumor predisposition. Identifiers: Orphanet 140162, MedGen C0027672, MeSH D009386, MONDO:0015356.
Microcephaly, normal intelligence and immunodeficiency (NBS). Also called: BERLIN BREAKAGE SYNDROME; Immunodeficiency, microcephaly with normal intelligence; SEEMANOVA SYNDROME II; Ataxia telangiectasia variant V1; Nijmegen breakage syndrome; IMMUNODEFICIENCY, MICROCEPHALY, AND CHROMOSOMAL INSTABILITY. Identifiers: Orphanet 647, MedGen C0398791, MONDO:0009623, OMIM 251260.

Allele frequency attached by ClinVar (database versions not stated): gnomAD 0.00001; TOPMed 0.00001.

Submissions (3):

Labcorp Genetics (formerly Invitae), Labcorp
Classification: Uncertain significance for Microcephaly, normal intelligence and immunodeficiency. Last evaluated: 2024-02-17. Review status: criteria provided, single submitter. Criteria: Invitae Variant Classification Sherloc (09022015). Collection method: clinical testing. Allele origin: germline.
Comment: This sequence change replaces valine, which is neutral and non-polar, with isoleucine, which is neutral and non-polar, at codon 172 of the NBN protein (p.Val172Ile). This variant is not present in population databases (gnomAD no frequency). This variant has not been reported in the literature in individuals affected with NBN-related conditions. ClinVar contains an entry for this variant (Variation ID: 655151). An algorithm developed to predict the effect of missense changes on protein structure and function (PolyPhen-2) suggests that this variant is likely to be tolerated. In summary, the available evidence is currently insufficient to determine the role of this variant in disease. Therefore, it has been classified as a Variant of Uncertain Significance.

Ambry Genetics
Classification: Uncertain significance for Hereditary cancer-predisposing syndrome. Last evaluated: 2022-10-02. Review status: criteria provided, single submitter. Criteria: Ambry Variant Classification Scheme 2023. Collection method: clinical testing. Allele origin: germline.
Comment: The p.V172I variant (also known as c.514G>A), located in coding exon 5 of the NBN gene, results from a G to A substitution at nucleotide position 514. The valine at codon 172 is replaced by isoleucine, an amino acid with highly similar properties. This amino acid position is well conserved in available vertebrate species. In addition, this alteration is predicted to be tolerated by in silico analysis. Since supporting evidence is limited at this time, the clinical significance of this alteration remains unclear.

Genome-Nilou Lab
Classification: Uncertain significance for Microcephaly, normal intelligence and immunodeficiency. Last evaluated: 2021-11-07. Review status: criteria provided, single submitter. Criteria: ACMG Guidelines, 2015. Collection method: clinical testing. Allele origin: germline. Affected: no.

NM_002485.5(NBN):c.514G>A (p.Val172Ile)

Gene: NBN (nibrin; minus strand). Cytogenetic location: 8q21.3.
Variant type: single nucleotide variant.
Coding change: c.514G>A on transcript NM_002485.5 (MANE Select); coding-DNA position 514, G replaced by A.
Protein change: p.Val172Ile; replaces valine 172 with isoleucine.
Molecular consequence: missense variant.
Genome position (GRCh38, 1-based): chr8:89,978,290, C>T on the plus strand (G>A on the coding strand, the complement: NBN is on the minus strand). VCF-style: chr8-89978290-C-T. GRCh37 (hg19) VCF-style: chr8-90990518-C-T.
Other names: c.268G>A, p.Val90Ile (NM_001024688.3); short protein forms V172I, V90I.
Identifiers: ClinVar variation 655151 (VCV000655151.16), dbSNP rs1586101456, ClinGen allele CA371660381.